The following is an entry in ClinVar:

NM_000059.4(BRCA2):c.7456A>G (p.Asn2486Asp)

Gene: BRCA2 (BRCA2 DNA repair associated; plus strand). Cytogenetic location: 13q13.1.
Variant type: single nucleotide variant.
Coding change: c.7456A>G on transcript NM_000059.4 (MANE Select); coding-DNA position 7456, A replaced by G.
Protein change: p.Asn2486Asp; replaces asparagine 2486 with aspartic acid.
Molecular consequence: missense variant.
Genome position (GRCh38, 1-based): chr13:32,356,448, A>G. VCF-style: chr13-32356448-A-G. GRCh37 (hg19) VCF-style: chr13-32930585-A-G.
Other names: p.N2486D:AAT>GAT; short protein forms N2486D.
Identifiers: ClinVar variation 182240 (VCV000182240.17), dbSNP rs730881556, ClinGen allele CA025095.

ClinVar aggregate classification (germline): Uncertain significance. Review status: criteria provided, multiple submitters, no conflicts (2 of 4 stars). 3 submissions from 3 submitters: Uncertain significance (3). Last evaluated 2025-09-22.

Conditions:
Hereditary cancer-predisposing syndrome. Also called: Tumor predisposition; Hereditary Cancer Syndrome; Hereditary neoplastic syndrome; Neoplastic Syndromes, Hereditary. Identifiers: Orphanet 140162, MedGen C0027672, MeSH D009386, MONDO:0015356.
Hereditary breast ovarian cancer syndrome. Also called: Breast and ovarian cancer; Hereditary breast and ovarian cancer; Hereditary breast and/or ovarian cancer syndrome; BRCA1- and BRCA2-Associated Hereditary Breast and Ovarian Cancer; Hereditary breast and ovarian cancer syndrome (HBOC); Hereditary breast and ovarian cancer syndrome. Identifiers: Orphanet 145, MedGen C0677776, MeSH D061325, MONDO:0003582. Disease mechanism: loss of function.

Submissions (3):

Ambry Genetics
Classification: Uncertain significance for Hereditary cancer-predisposing syndrome. Last evaluated: 2025-09-22. Review status: criteria provided, single submitter. Criteria: Ambry Variant Classification Scheme 2023. Collection method: clinical testing. Allele origin: germline.
Comment: The p.N2486D variant (also known as c.7456A>G), located in coding exon 14 of the BRCA2 gene, results from an A to G substitution at nucleotide position 7456. The asparagine at codon 2486 is replaced by aspartic acid, an amino acid with highly similar properties. Two saturation genome editing-based studies, including a haploid cell-survival assay and a humanized mouse embryonic stem cell line assay of drug response and survival, demonstrate that this nucleotide substitution may be functional; however, additional evidence is needed to confirm these findings (Huang H et al. Nature. 2025 Feb;638(8050):528-537; Sahu S et al. Nature. 2025 Feb;638(8050):538-545). This amino acid position is not well conserved in available vertebrate species. In addition, the in silico prediction for this alteration is inconclusive. Based on the available evidence, the clinical significance of this variant remains unclear.

Labcorp Genetics (formerly Invitae), Labcorp
Classification: Uncertain significance for Hereditary breast ovarian cancer syndrome. Last evaluated: 2022-04-28. Review status: criteria provided, single submitter. Criteria: Invitae Variant Classification Sherloc (09022015). Collection method: clinical testing. Allele origin: germline.
Comment: In summary, the available evidence is currently insufficient to determine the role of this variant in disease. Therefore, it has been classified as a Variant of Uncertain Significance. Advanced modeling of protein sequence and biophysical properties (such as structural, functional, and spatial information, amino acid conservation, physicochemical variation, residue mobility, and thermodynamic stability) performed at Invitae indicates that this missense variant is not expected to disrupt BRCA2 protein function. ClinVar contains an entry for this variant (Variation ID: 182240). This variant has not been reported in the literature in individuals affected with BRCA2-related conditions. This variant is not present in population databases (gnomAD no frequency). This sequence change replaces asparagine, which is neutral and polar, with aspartic acid, which is acidic and polar, at codon 2486 of the BRCA2 protein (p.Asn2486Asp).

GeneDx
Classification: Uncertain significance. Last evaluated: 2014-10-01. Review status: criteria provided, single submitter. Criteria: GeneDx Variant Classification (06012015). Collection method: clinical testing. Allele origin: germline. Affected: yes.
Comment: This variant is denoted BRCA2 c.7456A>G at the cDNA level, p.Asn2486Asp (N2486D) at the protein level, and results in the change of an Asparagine to an Aspartic Acid (AAT>GAT). This variant has not, to our knowledge, been published in the literature as pathogenic or benign. BRCA2 Asn2486Asp was not observed in approximately 6,500 individuals of European and African American ancestry in the NHLBI Exome Sequencing Project, indicating it is not a common benign variant in these populations. Since Asparagine and Aspartic Acid differ in some properties, this is considered a semi-conservative amino acid substitution. BRCA2 Asn2486Asp occurs at a position that is moderately conserved through mammals and is located in the region of interaction with FANCD2 (UniProt). In silico analyses predict that this variant is unlikely to alter protein structure or function. Based on currently available information, it is unclear whether BRCA2 Asn2486Asp is pathogenic or benign. We consider it to be a variant of uncertain significance.